The following is an entry in ClinVar:

ClinVar aggregate classification (germline): Pathogenic (1 of 4 stars; one submission).

Conditions:
Fanconi anemia (FA). Also called: Fanconi's anemia. Identifiers: Orphanet 84, MedGen C0015625, MeSH D005199, MONDO:0019391.

Submission:

Labcorp Genetics (formerly Invitae), Labcorp
Classification: Pathogenic for Fanconi anemia. Last evaluated: 2019-05-15. Review status: criteria provided, single submitter. Criteria: Invitae Variant Classification Sherloc (09022015). Collection method: clinical testing. Allele origin: germline.
Comment: This variant is a gross deletion of the genomic region encompassing exons 1-29 of the FANCA gene, which includes the initiator codon. The 5' end of this event is unknown as it extends beyond the assayed region for this gene and therefore may encompass additional genes. The 3' boundary is likely confined to intron 29 of the FANCA gene. This is expected to result in an absent or disrupted protein product. This variant has not been reported in the literature in individuals with FANCA-related disease. Loss-of-function variants in FANCA are known to be pathogenic (PMID: 19367192). For these reasons, this variant has been classified as Pathogenic.

NC_000016.10:g.(?_89761943)_(89920218_?)del

Genes: FANCA (FA complementation group A; minus strand), MC1R (melanocortin 1 receptor; plus strand), SPIRE2 (spire type actin nucleation factor 2; plus strand), TCF25 (TCF25 ribosome quality control complex subunit; plus strand), LOC112486223 (Sharpr-MPRA regulatory region 3988; plus strand) and 15 more. Cytogenetic location: 16q24.3.
Variant type: Deletion.
Identifiers: ClinVar variation 526504 (VCV000526504.2).